The following is an entry in ClinVar:

NC_000014.8:g.(?_67243162)_(67647654_?)dup

Gene: GPHN (gephyrin; plus strand). Cytogenetic location: 14q23.3.
Variant type: Duplication.
Identifiers: ClinVar variation 3243996 (VCV003243996.1).

ClinVar aggregate classification (germline): Uncertain significance (1 of 4 stars; one submission).

Conditions:
Sulfite oxidase deficiency due to molybdenum cofactor deficiency type C. Also called: Molybdenum cofactor deficiency, complementation group C; Molybdenum cofactor deficiency C. Identifiers: Orphanet 308400, Orphanet 833, MedGen C1854990, MONDO:0014212, OMIM 615501.

Submission:

Labcorp Genetics (formerly Invitae), Labcorp
Classification: Uncertain significance for Sulfite oxidase deficiency due to molybdenum cofactor deficiency type C. Last evaluated: 2023-10-13. Review status: criteria provided, single submitter. Criteria: Invitae Variant Classification Sherloc (09022015). Collection method: clinical testing. Allele origin: unknown.
Comment: This variant results in a copy number gain of the genomic region encompassing exon(s) 3-23 of the GPHN gene. This region includes the termination codon of the gene. This copy number gain extends beyond the assayed region for this gene and therefore may encompass additional genes. As the precise location of this event is unknown, it may be in tandem or it may be located elsewhere in the genome. This variant has not been reported in the literature in individuals affected with GPHN-related conditions. In summary, the available evidence is currently insufficient to determine the role of this variant in disease. Therefore, it has been classified as a Variant of Uncertain Significance.